The following is an entry in ClinVar:

ClinVar aggregate classification (germline): Likely pathogenic (1 of 4 stars; one submission).

Conditions:
Deficiency of acetyl-CoA acetyltransferase. Also called: 3-KETOTHIOLASE DEFICIENCY; 3-OXOTHIOLASE DEFICIENCY; Beta-ketothiolase deficiency; MITOCHONDRIAL ACETOACETYL-CoA THIOLASE DEFICIENCY. Identifiers: Orphanet 134, MedGen C1536500, MONDO:0008760, OMIM 203750. Disease mechanism: loss of function.

Submission:

Natera, Inc.
Classification: Likely pathogenic for Alpha-methylacetoacetic aciduria. Last evaluated: 2025-07-07. Review status: criteria provided, single submitter. Criteria: Natera Variant Classification Schema (03/2026). Collection method: clinical testing. Allele origin: germline.
Comment: The c.99T>G variant in ACAT1 is a nonsense variant predicted to introduce a stop codon at amino acid 33. This variant is expected to result in nonsense mediated decay, truncation, or a dysfunctional protein product. This variant is rare in the general population with a frequency below the threshold expected for the associated phenotype(s). Given the available evidence, this variant is classified as Likely Pathogenic.

NM_000019.4(ACAT1):c.99T>G (p.Tyr33Ter)

Gene: ACAT1 (acetyl-CoA acetyltransferase 1; plus strand). Cytogenetic location: 11q22.3.
Variant type: single nucleotide variant.
Coding change: c.99T>G on transcript NM_000019.4 (MANE Select); coding-DNA position 99, T replaced by G.
Protein change: p.Tyr33Ter; replaces tyrosine 33 with a stop codon.
Molecular consequence: nonsense. On other transcripts: 5 prime UTR variant (10), non-coding transcript variant (2).
Genome position (GRCh38, 1-based): chr11:108,131,933, T>G. VCF-style: chr11-108131933-T-G. GRCh37 (hg19) VCF-style: chr11-108002660-T-G.
Other names: c.99T>G, p.Tyr33Ter (NM_001386677.1, NM_001386678.1); c.-179T>G (NM_001386679.1); c.-172T>G (NM_001386681.1, NM_001386682.1, NM_001386685.1 and 6 more transcripts); short protein forms Y33*.
Identifiers: ClinVar variation 4817615 (VCV004817615.1).
Genomic context (GRCh38, chr11:108,131,933, plus strand): 5'-TTACATTATAACATTATAAATATTTATATTACAGGAAATAAGATATGTGGAACGGAGTTA[T>G]GTATCAAAACCCACTTTGAAGGTAAGTAATTTAAATTGTGCTTTAAAATTTCCAGAATTT-3'